The following is an entry in ClinVar:

ClinVar aggregate classification (germline): Likely benign. Review status: criteria provided, multiple submitters, no conflicts (2 of 4 stars). 2 submissions from 2 submitters: Likely benign (2). Last evaluated 2026-05-11.

Conditions:
SACS-related disorder. Also called: SACS-related condition.
Spastic paraplegia. Identifiers: MedGen C0037772, HP:0001258.

Allele frequency attached by ClinVar (database versions not stated): gnomAD 0.00002 and 0.00003; gnomAD exomes 0.00002; ExAC 0.00003; TOPMed 0.00005; ESP Exome Variant Server 0.00008.
gnomAD v4.1: 27 of 1,613,186 alleles (0.0017%); highest among the groups gnomAD compares: Non-Finnish European, 0.0022%; no homozygotes.

Submissions (2):

PreventionGenetics, part of Exact Sciences
Classification: Likely benign for SACS-related condition. Last evaluated: 2026-05-11. Review status: criteria provided, single submitter. Criteria: ACMG Guidelines, 2015. Collection method: clinical testing. Allele origin: germline.
Comment: This variant is classified as likely benign based on ACMG/AMP sequence variant interpretation guidelines (Richards et al. 2015 PMID: 25741868, with internal and published modifications).

Labcorp Genetics (formerly Invitae), Labcorp
Classification: Likely benign for Spastic paraplegia. Last evaluated: 2023-11-18. Review status: criteria provided, single submitter. Criteria: Invitae Variant Classification Sherloc (09022015). Collection method: clinical testing. Allele origin: germline.

NM_014363.6(SACS):c.8820A>G (p.Thr2940=)

Gene: SACS (sacsin molecular chaperone; minus strand). Cytogenetic location: 13q12.12.
Variant type: single nucleotide variant.
Coding change: c.8820A>G on transcript NM_014363.6 (MANE Select); coding-DNA position 8820, A replaced by G.
Protein change: p.Thr2940=; no amino-acid change (threonine 2940 retained).
Molecular consequence: synonymous variant.
Genome position (GRCh38, 1-based): chr13:23,335,056, T>C on the plus strand (A>G on the coding strand, the complement: SACS is on the minus strand). VCF-style: chr13-23335056-T-C. GRCh37 (hg19) VCF-style: chr13-23909195-T-C.
Other names: c.8379A>G, p.Thr2793= (NM_001278055.2); c.8820A>G (NM_014363.5).
Identifiers: ClinVar variation 1545761 (VCV001545761.9), dbSNP rs370133588, ClinGen allele CA6910711.
Genomic context (GRCh38, chr13:23,335,056, plus strand): 5'-TAAAAACTTCTTTAAAGTGTCCTTTACAACATGAATAGGGGTGTTCTGTAACACTGATAA[T>C]GTTGGATCAGAACCAGGGAAATACCGTTTTTTTAACTGTATTAGCAATTCAACATATGCA-3'
Protein context (NP_055178.3, residues 2930-2950): KKRYFPGSDP[Thr2940=]LSVLQNTPIH